The following is an entry in ClinVar:

ClinVar aggregate classification (germline): Pathogenic. Review status: criteria provided, multiple submitters, no conflicts (2 of 4 stars). 5 submissions from 5 submitters: Pathogenic (5). Last evaluated 2026-01-28.

Conditions:
Usher syndrome type 2A. Also called: USHER SYNDROME, TYPE IIA; RETINAL DISEASE IN USHER SYNDROME TYPE IIA, MODIFIER OF. Identifiers: Orphanet 231178, Orphanet 886, MedGen C1848634, MONDO:0010169, OMIM 276901.
Retinitis pigmentosa 39 (RP39). Identifiers: Orphanet 791, MedGen C3151138, MONDO:0013436, OMIM 613809.

Allele frequency attached by ClinVar (database versions not stated): gnomAD exomes below 0.00001; TOPMed below 0.00001.

Submissions (5):

Labcorp Genetics (formerly Invitae), Labcorp
Classification: Pathogenic. Last evaluated: 2026-01-28. Review status: criteria provided, single submitter. Criteria: Invitae Variant Classification Sherloc (09022015). Collection method: clinical testing. Allele origin: germline.
Comment: This sequence change creates a premature translational stop signal (p.Ile1740Phefs*10) in the USH2A gene. It is expected to result in an absent or disrupted protein product. Loss-of-function variants in USH2A are known to be pathogenic (PMID: 10729113, 10909849, 20507924, 25649381). This variant is not present in population databases (gnomAD no frequency). This premature translational stop signal has been observed in individual(s) with retinitis pigmentosa (PMID: 31736247). ClinVar contains an entry for this variant (Variation ID: 1213950). Algorithms developed to predict the effect of sequence changes on RNA splicing suggest that this variant may disrupt the consensus splice site. For these reasons, this variant has been classified as Pathogenic.

Natera, Inc.
Classification: Pathogenic for Usher syndrome type 2A. Last evaluated: 2024-12-13. Review status: criteria provided, single submitter. Criteria: Natera Variant Classification Schema (03/2026). Collection method: clinical testing. Allele origin: germline.
Comment: The c.5218del variant in USH2A is a frameshift variant predicted to shift the reading frame beginning at codon 1740 and leads to a stop codon 10 codons downstream. This variant is expected to result in nonsense mediated decay, truncation, or a dysfunctional protein product. This variant is rare in the general population with a frequency below the threshold expected for the associated phenotype(s). This variant has been observed in one or more individuals affected with the associated recessive disease, as either homozygous or compound heterozygous with a second variant (PMID: 31736247). Given the available evidence, this variant is classified as Pathogenic.

Fulgent Genetics
Classification: Pathogenic for Usher syndrome type 2A; Retinitis pigmentosa 39. Last evaluated: 2024-05-22. Review status: criteria provided, single submitter. Criteria: ACMG Guidelines, 2015. Collection method: clinical testing. Allele origin: germline.

Baylor Genetics
Classification: Pathogenic for Retinitis pigmentosa 39. Last evaluated: 2024-03-04. Review status: criteria provided, single submitter. Criteria: ACMG Guidelines, 2015. Collection method: clinical testing. Allele origin: unknown.

DBGen Ocular Genomics
Classification: Pathogenic for Retinitis pigmentosa 39. Last evaluated: 2021-06-28. Review status: criteria provided, single submitter. Criteria: ACMG Guidelines, 2015. Collection method: clinical testing. Allele origin: germline. Affected: yes. Observed: 1 variant allele.

Literature cited by the submitters: PubMed 10729113 (cited by Labcorp Genetics (formerly Invitae), Labcorp); PubMed 10909849 (cited by Labcorp Genetics (formerly Invitae), Labcorp); PubMed 20507924 (cited by Labcorp Genetics (formerly Invitae), Labcorp); PubMed 25649381 (cited by Labcorp Genetics (formerly Invitae), Labcorp); PubMed 31736247 (cited by Labcorp Genetics (formerly Invitae), Labcorp and Natera, Inc.).

NM_206933.4(USH2A):c.5218del (p.Ile1740fs)

Genes: USH2A (usherin; minus strand), USH2A-AS2 (USH2A antisense RNA 2; plus strand). Cytogenetic location: 1q41.
Variant type: Deletion.
Coding change: c.5218del on transcript NM_206933.4 (MANE Select); coding-DNA position 5218, one base deleted (A; older notation c.5218delA).
Protein change: p.Ile1740fs; shifts the reading frame from isoleucine 1740.
Molecular consequence: frameshift variant.
Genome position (GRCh38, 1-based): chr1:216,083,536, T deleted on the plus strand (A on the coding strand, the reverse complement: USH2A is on the minus strand). VCF-style (leftmost placement, unchanged base first): chr1-216083535-AT-A. GRCh37 (hg19) VCF-style: chr1-216256877-AT-A.
Other names: c.5218del (NM_206933.2); short protein forms I1740fs.
Identifiers: ClinVar variation 1213950 (VCV001213950.8), dbSNP rs2032019895, ClinGen allele CA1220548450.
Genomic context (GRCh38, chr1:216,083,535, plus strand): 5'-TCTTTGTTATAAACGAAAAGAAGCAATCCATTTAATTGGTCAGTTCTGAACTTAAAGGAA[AT>A]CTCAAAGTTCATTCCACCATGAAACATATATGGATGAAGTTCCAGGAACCCTTTAAAGAT-3'